The following is an entry in ClinVar:

NM_014889.4(PITRM1):c.506T>C (p.Phe169Ser)

Gene: PITRM1 (pitrilysin metallopeptidase 1; minus strand). Cytogenetic location: 10p15.2.
Variant type: single nucleotide variant.
Coding change: c.506T>C on transcript NM_014889.4 (MANE Select); coding-DNA position 506, T replaced by C.
Protein change: p.Phe169Ser; replaces phenylalanine 169 with serine.
Molecular consequence: missense variant. On other transcripts: 5 prime UTR variant (3), non-coding transcript variant (4).
Genome position (GRCh38, 1-based): chr10:3,165,440, A>G on the plus strand (T>C on the coding strand, the complement: PITRM1 is on the minus strand). VCF-style: chr10-3165440-A-G. GRCh37 (hg19) VCF-style: chr10-3207632-A-G.
Other names: c.506T>C, p.Phe169Ser (NM_001242307.2, NM_001347725.2); c.410T>C, p.Phe137Ser (NM_001242309.1); c.-110T>C (NM_001347726.2, NM_001347727.2); c.-795T>C (NM_001347728.2); c.482T>C, p.Phe161Ser (NM_001347729.1, NM_001347730.1); c.506T>C (NM_001242307.1); short protein forms F137S, F161S, F169S.
Identifiers: ClinVar variation 1600892 (VCV001600892.11), dbSNP rs3814596, ClinGen allele CA5388188.
Genomic context (GRCh38, chr10:3,165,440, plus strand): 5'-TCTGTATCAACTAGTTAATCATTCATGACATACCAGAAATCCAGCTCGCGTAAACATGGG[A>G]AAAAGGTGGCATCCAAATACACCGAGAGGAGATTCTGAAAGTCCTTGGGATTTTGTGTGG-3'
Protein context (NP_055704.2, residues 159-179): LLSVYLDATF[Phe169Ser]PCLRELDFWQ

ClinVar aggregate classification (germline): Benign. Review status: criteria provided, multiple submitters, no conflicts (2 of 4 stars). 3 submissions from 3 submitters: Benign (2). 1 of the submissions does not count toward it. Last evaluated 2026-02-03.

Conditions:
PITRM1-related disorder. Also called: PITRM1-related condition.

Allele frequency attached by ClinVar (database versions not stated): 1000 Genomes Project 30x 0.13632; gnomAD exomes 0.16598; 1000 Genomes Project 0.13319; TOPMed 0.15641; gnomAD 0.16790 and 0.16962; ESP Exome Variant Server 0.17740; ExAC 0.17624.

Submissions (3):

Labcorp Genetics (formerly Invitae), Labcorp
Classification: Benign. Last evaluated: 2026-02-03. Review status: criteria provided, single submitter. Criteria: Invitae Variant Classification Sherloc (09022015). Collection method: clinical testing. Allele origin: germline.

Breakthrough Genomics
Classification: Benign. Review status: criteria provided, single submitter. Criteria: ACMG Guidelines, 2015. Collection method: not provided. Allele origin: germline. Inheritance: Autosomal recessive inheritance. Affected: yes.

PreventionGenetics, part of Exact Sciences
Classification: Benign for PITRM1-related condition. Last evaluated: 2019-11-26. Review status: no assertion criteria provided. Collection method: clinical testing. Allele origin: germline. Not counted in ClinVar's aggregate classification.
Comment: This variant is classified as benign based on ACMG/AMP sequence variant interpretation guidelines (Richards et al. 2015 PMID: 25741868, with internal and published modifications).